The following is an entry in ClinVar:

NM_000419.5(ITGA2B):c.891+12del

Gene: ITGA2B (integrin subunit alpha 2b; minus strand). Cytogenetic location: 17q21.31.
Variant type: Deletion.
Coding change: c.891+12del on transcript NM_000419.5 (MANE Select); 12 bases into the intron after coding-DNA position 891, one base deleted (C; older notation c.891+12delC).
Molecular consequence: intron variant.
Genome position (GRCh38, 1-based): chr17:44,384,299, G deleted on the plus strand (C on the coding strand, the reverse complement: ITGA2B is on the minus strand); the first of 5 consecutive G bases (chr17:44,384,299-44,384,303); deleting any one gives the same sequence. VCF-style (leftmost placement, unchanged base first): chr17-44384298-TG-T. GRCh37 (hg19) VCF-style: chr17-42461666-TG-T.
Identifiers: ClinVar variation 323561 (VCV000323561.14), dbSNP rs373578804, ClinGen allele CA8603299.
Genomic context (GRCh38, chr17:44,384,298, plus strand): 5'-GGGGCGCTCAGGAGTTGTCAGCCTGAGAACTGGGATAAGGGGCTTCGGGAGGCCCAGTGG[TG>T]GGGGCACTTACCGCTCCCAGGGTCCAGCTCCAAGTGGGGGCACCGACGACATATTCTGGC-3'

ClinVar aggregate classification (germline): Benign. Review status: reviewed by expert panel (3 of 4 stars). 5 submissions from 5 submitters: Benign (1). 4 of the submissions do not count toward it. Last evaluated 2019-07-19.

Conditions:
Glanzmann thrombasthenia. Also called: THROMBASTHENIA OF GLANZMANN AND NAEGELI; Glanzmann's thrombasthenia; PLATELET GLYCOPROTEIN IIb-IIIa DEFICIENCY; Thrombasthenia. Identifiers: Orphanet 849, MedGen C0040015, MONDO:0100326.
Platelet-type bleeding disorder 16 (BDPLT16). Also called: Bleeding disorder, platelet-type, 16, autosomal dominant. Identifiers: Orphanet 140957, MedGen C5442010, MONDO:0008552, OMIM 187800.
Glanzmann thrombasthenia 1 (GT1). Also called: BLEEDING DISORDER, PLATELET-TYPE, 2; GP IIb-IIIa COMPLEX DEFICIENCY; GLYCOPROTEIN COMPLEX IIb-IIIa DEFICIENCY; PLATELET FIBRINOGEN RECEPTOR DEFICIENCY. Identifiers: MedGen CN300358, MONDO:0031332, OMIM 273800.

Submissions (5):

ClinGen Platelet Disorders Variant Curation Expert Panel, ClinGen
Classification: Benign for Glanzmann thrombasthenia. Last evaluated: 2019-07-19. Review status: reviewed by expert panel. Criteria: ClinGen Platelet ACMG Specifications v2. Collection method: curation. Allele origin: germline. Inheritance: Autosomal recessive inheritance.
Comment: The c.891+12del intronic variant has not been reported in the literature, to our knowledge. It is present in an African control population at an allele frequency of 0.01490 and no splice impact is predicted. In summary, this variant meets criteria to be classified as benign for GT. GT-specific criteria applied: BA1, BP7.

Labcorp Genetics (formerly Invitae), Labcorp
Classification: Benign for Glanzmann thrombasthenia. Last evaluated: 2026-02-01. Review status: criteria provided, single submitter. Criteria: Invitae Variant Classification Sherloc (09022015). Collection method: clinical testing. Allele origin: germline. Not counted in ClinVar's aggregate classification.

Dasa
Classification: Likely benign. Last evaluated: 2025-07-12. Review status: criteria provided, single submitter. Criteria: DASA Assertion Criteria. Collection method: clinical testing. Allele origin: germline. Not counted in ClinVar's aggregate classification.
Comment: NM_000419.5(ITGA2B):c.891+12del is interpreted based on available population and clinical evidence, including population frequency and no convincing observation in affected individuals. Based on the available data, this variant is classified as likely benign.

Blueprint Genetics
Classification: Likely benign. Last evaluated: 2024-10-16. Review status: criteria provided, single submitter. Criteria: ACMG Guidelines, 2015. Collection method: clinical testing. Allele origin: germline. Not counted in ClinVar's aggregate classification.

Fulgent Genetics
Classification: Likely benign for Platelet-type bleeding disorder 16; Glanzmann thrombasthenia 1. Last evaluated: 2021-12-28. Review status: criteria provided, single submitter. Criteria: ACMG Guidelines, 2015. Collection method: clinical testing. Allele origin: unknown. Not counted in ClinVar's aggregate classification.